The following is an entry in ClinVar:

NM_002528.7(NTHL1):c.36C>T (p.Ser12=)

Gene: NTHL1 (nth like DNA glycosylase 1; minus strand). Cytogenetic location: 16p13.3.
Variant type: single nucleotide variant.
Coding change: c.36C>T on transcript NM_002528.7 (MANE Select); coding-DNA position 36, C replaced by T.
Protein change: p.Ser12=; no amino-acid change (serine 12 retained).
Molecular consequence: synonymous variant. On other transcripts: 5 prime UTR variant (1).
Genome position (GRCh38, 1-based): chr16:2,047,788, G>A on the plus strand (C>T on the coding strand, the complement: NTHL1 is on the minus strand). VCF-style: chr16-2047788-G-A. GRCh37 (hg19) VCF-style: chr16-2097789-G-A.
Other names: c.36C>T, p.Ser12= (NM_001318193.2); c.-143C>T (NM_001318194.2).
Identifiers: ClinVar variation 681536 (VCV000681536.15), dbSNP rs1216311147, ClinGen allele CA492953586.
Genomic context (GRCh38, chr16:2,047,788, plus strand): 5'-CCGGAGAGGCCCGGGCTCCTCCCTACACCCCCGCGGCCCAGCCCCGGGTCCCAGGCTCCG[G>A]CTCCGGGTCAGCATCCTCGCGCTCAAGGCGGTCATGCCGGACTCCTGCGGACTACACATC-3'
Protein context (NP_002519.2, residues 2-22): TALSARMLTR[Ser12=]RSLGPGAGPR

ClinVar aggregate classification (germline): Likely benign. Review status: criteria provided, multiple submitters, no conflicts (2 of 4 stars). 4 submissions from 4 submitters: Likely benign (4). Last evaluated 2026-02-03.

Conditions:
Hereditary cancer-predisposing syndrome. Also called: Neoplastic Syndromes, Hereditary; Tumor predisposition; Hereditary neoplastic syndrome; Hereditary Cancer Syndrome. Identifiers: Orphanet 140162, MedGen C0027672, MeSH D009386, MONDO:0015356.

Allele frequency attached by ClinVar (database versions not stated): gnomAD exomes below 0.00001.
gnomAD v4.1: 8 of 1,590,364 alleles (0.0005%); highest among the groups gnomAD compares: South Asian, 0.0023%; no homozygotes.

Submissions (4):

Labcorp Genetics (formerly Invitae), Labcorp
Classification: Likely benign. Last evaluated: 2026-02-03. Review status: criteria provided, single submitter. Criteria: Invitae Variant Classification Sherloc (09022015). Collection method: clinical testing. Allele origin: germline.

Sema4
Classification: Likely benign for Hereditary cancer-predisposing syndrome. Last evaluated: 2020-11-09. Review status: criteria provided, single submitter. Criteria: Sema4 Curation Guidelines. Collection method: curation. Allele origin: germline.

Ambry Genetics
Classification: Likely benign for Hereditary cancer-predisposing syndrome. Last evaluated: 2020-06-30. Review status: criteria provided, single submitter. Criteria: Ambry Variant Classification Scheme 2023. Collection method: clinical testing. Allele origin: germline.

GeneDx
Classification: Likely benign. Last evaluated: 2018-04-02. Review status: criteria provided, single submitter. Criteria: GeneDx Variant Classification (06012015). Collection method: clinical testing. Allele origin: germline. Affected: yes.
Comment: This variant is considered likely benign or benign based on one or more of the following criteria: it is a conservative change, it occurs at a poorly conserved position in the protein, it is predicted to be benign by multiple in silico algorithms, and/or has population frequency not consistent with disease.